The following is an entry in ClinVar:

ClinVar aggregate classification (germline): Uncertain significance. Review status: criteria provided, multiple submitters, no conflicts (2 of 4 stars). 16 submissions from 15 submitters: Uncertain significance (14). 2 of the submissions do not count toward it. Last evaluated 2026-09-15.

Conditions:
TCAP-related disorder. Also called: TCAP-related condition.
Primary familial hypertrophic cardiomyopathy (HCM). Identifiers: Orphanet 99739, MedGen C0949658, MeSH D024741, MONDO:0024573. Inheritance: Various modes of inheritance.
Hypertrophic cardiomyopathy 25 (CMH25). Also called: CARDIOMYOPATHY, FAMILIAL HYPERTROPHIC, 25. Identifiers: MedGen C4225408, MONDO:0011843, OMIM 607487.
Autosomal recessive limb-girdle muscular dystrophy type 2G (LGMDR7). Also called: Telethoninopathy; MUSCULAR DYSTROPHY, LIMB-GIRDLE, AUTOSOMAL RECESSIVE 7; Limb-girdle muscular dystrophy, type 2G. Identifiers: Orphanet 34514, MedGen C1866008, MONDO:0011170, OMIM 601954.
Cardiomyopathy (CMYO). Also called: Cardiomyopathies. Identifiers: Orphanet 167848, MedGen C0878544, MONDO:0004994, HP:0001638. Inheritance: Various modes of inheritance.

Allele frequency attached by ClinVar (database versions not stated): ExAC 0.00006; gnomAD exomes 0.00006; TOPMed 0.00008; gnomAD 0.00009; 1000 Genomes Project 30x 0.00016; 1000 Genomes Project 0.00020.

Submissions (16):

PreventionGenetics, part of Exact Sciences
Classification: Uncertain significance for TCAP-related condition. Last evaluated: 2026-09-15. Review status: criteria provided, single submitter. Criteria: ACMG Guidelines, 2015. Collection method: clinical testing. Allele origin: germline.
Comment: The TCAP c.388C>T variant is predicted to result in the amino acid substitution p.Arg130Cys. This variant has been reported in the heterozygous state in at least one individual with dilated cardiomyopathy; however, this individual also carried a heterozygous pathogenic variant in the PLN gene (Table S1, Pugh et al. 2014. PubMed ID: 24503780; Table S1B, Walsh et al. 2017. PubMed ID: 27532257). This variant is reported in 0.020% of alleles in individuals of South Asian descent in gnomAD. At this time, the clinical significance of this variant is uncertain due to the absence of conclusive functional and genetic evidence.

Labcorp Genetics (formerly Invitae), Labcorp
Classification: Uncertain significance for Hypertrophic cardiomyopathy 25; Primary familial hypertrophic cardiomyopathy. Last evaluated: 2025-12-29. Review status: criteria provided, single submitter. Criteria: Invitae Variant Classification Sherloc (09022015). Collection method: clinical testing. Allele origin: germline.
Comment: This sequence change replaces arginine, which is basic and polar, with cysteine, which is neutral and slightly polar, at codon 130 of the TCAP protein (p.Arg130Cys). This variant is present in population databases (rs374886575, gnomAD 0.03%). This missense change has been observed in individual(s) with dilated cardiomyopathy (PMID: 24503780, 27532257). ClinVar contains an entry for this variant (Variation ID: 44708). An algorithm developed to predict the effect of missense changes on protein structure and function (PolyPhen-2) suggests that this variant is likely to be disruptive. In summary, the available evidence is currently insufficient to determine the role of this variant in disease. Therefore, it has been classified as a Variant of Uncertain Significance.

Revvity Omics, Revvity
Classification: Uncertain significance. Last evaluated: 2025-03-19. Review status: criteria provided, single submitter. Criteria: ACMG Guidelines, 2015. Collection method: clinical testing. Allele origin: germline.

Blueprint Genetics
Classification: Uncertain significance. Last evaluated: 2024-10-18. Review status: criteria provided, single submitter. Criteria: ACMG Guidelines, 2015. Collection method: clinical testing. Allele origin: germline.

Fulgent Genetics
Classification: Uncertain significance for Autosomal recessive limb-girdle muscular dystrophy type 2G; Hypertrophic cardiomyopathy 25. Last evaluated: 2021-09-12. Review status: criteria provided, single submitter. Criteria: ACMG Guidelines, 2015. Collection method: clinical testing. Allele origin: unknown.

GeneDx
Classification: Uncertain significance. Last evaluated: 2019-08-09. Review status: criteria provided, single submitter. Criteria: GeneDx Variant Classification Process June 2021. Collection method: clinical testing. Allele origin: germline. Affected: yes.
Comment: Reported in ClinVar as a variant of uncertain significance (ClinVar Variant ID# 44708; Landrum et al., 2016); In silico analysis, which includes protein predictors and evolutionary conservation, supports a deleterious effect; This variant is associated with the following publications: (PMID: 27532257, 24503780)

Women's Health and Genetics/Laboratory Corporation of America, LabCorp
Classification: Uncertain significance. Last evaluated: 2019-06-24. Review status: criteria provided, single submitter. Criteria: LabCorp Variant Classification Summary - May 2015. Collection method: clinical testing. Allele origin: germline.
Comment: Variant summary: TCAP c.388C>T (p.Arg130Cys) results in a non-conservative amino acid change in the encoded protein sequence. Five of five in-silico tools predict a damaging effect of the variant on protein function. The variant allele was found at a frequency of 5.6e-05 in 249646 control chromosomes. The observed variant frequency is approximately 2 fold of the estimated maximal expected allele frequency for a pathogenic variant in TCAP causing Cardiomyopathy phenotype (2.5e-05), suggesting that the variant is benign. c.388C>T has been reported in the literature in individuals affected with Cardiomyopathy (Pugh_2014, Walsh_2017). These reports do not provide unequivocal conclusions about association of the variant with Cardiomyopathy. To our knowledge, no experimental evidence demonstrating an impact on protein function has been reported. Five clinical diagnostic laboratories have submitted clinical-significance assessments for this variant to ClinVar after 2014 without evidence for independent evaluation. All laboratories classified the variant as uncertain significance. Based on the evidence outlined above, the variant was classified as VUS-possibly benign.

Illumina Laboratory Services, Illumina
Classification: Uncertain significance for Cardiomyopathy, Dilated, 1N. Last evaluated: 2018-01-12. Review status: criteria provided, single submitter. Criteria: ICSL Variant Classification Criteria 13 December 2019. Collection method: clinical testing. Allele origin: germline.

Illumina Laboratory Services, Illumina
Classification: Uncertain significance for Autosomal recessive limb-girdle muscular dystrophy type 2G. Last evaluated: 2018-01-12. Review status: criteria provided, single submitter. Criteria: ICSL Variant Classification Criteria 13 December 2019. Collection method: clinical testing. Allele origin: germline.

Athena Diagnostics
Classification: Uncertain significance. Last evaluated: 2017-11-29. Review status: criteria provided, single submitter. Criteria: Athena Diagnostics Criteria. Collection method: clinical testing. Allele origin: germline.

CHEO Genetics Diagnostic Laboratory, Children's Hospital of Eastern Ontario
Classification: Uncertain significance for Cardiomyopathy. Last evaluated: 2017-09-13. Review status: criteria provided, single submitter. Criteria: ACMG Guidelines, 2015. Collection method: clinical testing. Allele origin: germline. Study: Canadian Open Genetics Repository.

CeGaT Center for Human Genetics Tuebingen
Classification: Uncertain significance. Last evaluated: 2016-11-01. Review status: criteria provided, single submitter. Criteria: CeGaT Center For Human Genetics Tuebingen Variant Classification Criteria Version 2. Collection method: clinical testing. Allele origin: germline. Affected: yes. Observed: 1 variant allele.

Eurofins Ntd Llc (ga)
Classification: Uncertain significance. Last evaluated: 2016-01-14. Review status: criteria provided, single submitter. Criteria: EGL Classification Definitions 2015. Collection method: clinical testing. Allele origin: germline. Observed: 2 variant alleles, 2 heterozygotes.

Laboratory for Molecular Medicine, Mass General Brigham Personalized Medicine
Classification: Uncertain significance. Last evaluated: 2011-05-10. Review status: criteria provided, single submitter. Criteria: LMM Criteria. Collection method: clinical testing. Allele origin: germline. Observed: 2 variant alleles.
Comment: The Arg130Cys variant has not been reported in the literature. Because it has not yet been observed in isolation in a n affected individual, its clinical significance cannot be fully assessed. Argin ine (Arg) at amino acid position 130 is not conserved in evolutionary distant sp ecies (though frog and fish carry a lysine), reducing the likelihood that the ch ange is pathogenic. On the other hand, three computer tools (AlignGVGD, Polyphen 2, SIFT) predict this change to be deleterious although their accuracy has not b een clinically validated. In summary, additional data is needed to assess the cl inical significance of the Arg130Cys variant.

Clinical Genetics, Academic Medical Center
Classification: Uncertain significance. Review status: no assertion criteria provided. Collection method: clinical testing. Allele origin: germline. Affected: yes. Study: VKGL Data-share Consensus. Not counted in ClinVar's aggregate classification.

Diagnostic Laboratory, Department of Genetics, University Medical Center Groningen
Classification: Uncertain significance. Review status: no assertion criteria provided. Collection method: clinical testing. Allele origin: germline. Affected: yes. Study: VKGL Data-share Consensus. Not counted in ClinVar's aggregate classification.

Literature cited by the submitters: PubMed 24503780 (cited by Labcorp Genetics (formerly Invitae), Labcorp and Women's Health and Genetics/Laboratory Corporation of America, LabCorp); PubMed 27532257 (cited by Labcorp Genetics (formerly Invitae), Labcorp and Women's Health and Genetics/Laboratory Corporation of America, LabCorp).

NM_003673.4(TCAP):c.388C>T (p.Arg130Cys)

Gene: TCAP (titin-cap; plus strand). Cytogenetic location: 17q12.
Variant type: single nucleotide variant.
Coding change: c.388C>T on transcript NM_003673.4 (MANE Select); coding-DNA position 388, C replaced by T.
Protein change: p.Arg130Cys; replaces arginine 130 with cysteine.
Molecular consequence: missense variant.
Genome position (GRCh38, 1-based): chr17:39,665,993, C>T. VCF-style: chr17-39665993-C-T. GRCh37 (hg19) VCF-style: chr17-37822246-C-T.
Other names: short protein forms R130C.
Identifiers: ClinVar variation 44708 (VCV000044708.71), dbSNP rs374886575, ClinGen allele CA134923.